The following is an entry in ClinVar:

NM_001378452.1(ITPR1):c.7250A>G (p.His2417Arg)

Gene: ITPR1 (inositol 1,4,5-trisphosphate receptor type 1; plus strand). Cytogenetic location: 3p26.1.
Variant type: single nucleotide variant.
Coding change: c.7250A>G on transcript NM_001378452.1 (MANE Select); coding-DNA position 7250, A replaced by G.
Protein change: p.His2417Arg; replaces histidine 2417 with arginine.
Molecular consequence: missense variant.
Genome position (GRCh38, 1-based): chr3:4,806,245, A>G. VCF-style: chr3-4806245-A-G. GRCh37 (hg19) VCF-style: chr3-4847929-A-G.
Other names: c.7106A>G, p.His2369Arg (NM_001099952.4); c.7205A>G, p.His2402Arg (NM_001168272.2); c.7061A>G, p.His2354Arg (NM_002222.7); short protein forms H2354R, H2369R, H2402R, H2417R.
Identifiers: ClinVar variation 1306045 (VCV001306045.5), dbSNP rs1250950938, ClinGen allele CA351645882.

ClinVar aggregate classification (germline): Uncertain significance. Review status: criteria provided, multiple submitters, no conflicts (2 of 4 stars). 2 submissions from 2 submitters: Uncertain significance (2). Last evaluated 2022-10-28.

Allele frequency attached by ClinVar (database versions not stated): gnomAD 0.00001; gnomAD exomes 0.00001.
gnomAD v4.1: 6 of 1,613,914 alleles (0.00037%); highest among the groups gnomAD compares: Non-Finnish European, 0.00051%; no homozygotes.

Submissions (2):

Labcorp Genetics (formerly Invitae), Labcorp
Classification: Uncertain significance. Last evaluated: 2022-10-28. Review status: criteria provided, single submitter. Criteria: Invitae Variant Classification Sherloc (09022015). Collection method: clinical testing. Allele origin: germline.
Comment: In summary, the available evidence is currently insufficient to determine the role of this variant in disease. Therefore, it has been classified as a Variant of Uncertain Significance. Advanced modeling of protein sequence and biophysical properties (such as structural, functional, and spatial information, amino acid conservation, physicochemical variation, residue mobility, and thermodynamic stability) performed at Invitae indicates that this missense variant is expected to disrupt ITPR1 protein function. ClinVar contains an entry for this variant (Variation ID: 1306045). This variant has not been reported in the literature in individuals affected with ITPR1-related conditions. This variant is present in population databases (no rsID available, gnomAD 0.007%). This sequence change replaces histidine, which is basic and polar, with arginine, which is basic and polar, at codon 2354 of the ITPR1 protein (p.His2354Arg).

GeneDx
Classification: Uncertain significance. Last evaluated: 2019-05-21. Review status: criteria provided, single submitter. Criteria: GeneDx Variant Classification Process June 2021. Collection method: clinical testing. Allele origin: germline. Affected: yes.
Comment: In silico analysis, which includes protein predictors and evolutionary conservation, supports a deleterious effect; Has not been previously published as pathogenic or benign to our knowledge